The following is an entry in ClinVar:

NM_003521.3(H2BC14):c.249T>C (p.His83=)

Genes: H2BC14 (H2B clustered histone 14; plus strand), LOC129996134 (ATAC-STARR-seq lymphoblastoid active region 24312; plus strand). Cytogenetic location: 6p22.1.
Variant type: single nucleotide variant.
Coding change: c.249T>C on transcript NM_003521.3 (MANE Select); coding-DNA position 249, T replaced by C.
Protein change: p.His83=; no amino-acid change (histidine 83 retained).
Molecular consequence: synonymous variant.
Genome position (GRCh38, 1-based): chr6:27,815,292, T>C. VCF-style: chr6-27815292-T-C. GRCh37 (hg19) VCF-style: chr6-27783070-T-C.
Identifiers: ClinVar variation 4681460 (VCV004681460.5).

ClinVar aggregate classification (germline): Likely benign (1 of 4 stars; one submission).

Submission:

CeGaT Center for Human Genetics Tuebingen
Classification: Likely benign. Last evaluated: 2025-12-01. Review status: criteria provided, single submitter. Criteria: CeGaT Center For Human Genetics Tuebingen Variant Classification Criteria Version 2. Collection method: clinical testing. Allele origin: germline. Affected: yes. Observed: 1 variant allele.
Comment: H2BC14: BP4, BP7